The following is an entry in ClinVar:

ClinVar aggregate classification (germline): Uncertain significance. Review status: criteria provided, multiple submitters, no conflicts (2 of 4 stars). 2 submissions from 2 submitters: Uncertain significance (2). Last evaluated 2026-01-04.

Conditions:
Hypertrophic cardiomyopathy 26. Also called: Cardiomyopathy, familial hypertrophic, 26. Identifiers: Orphanet 75249, MedGen C4310749, MONDO:0014883, OMIM 617047.
Distal myopathy with posterior leg and anterior hand involvement. Also called: WILLIAMS DISTAL MYOPATHY. Identifiers: Orphanet 63273, MedGen C3279722, MONDO:0013550, OMIM 614065.
Myofibrillar myopathy 5. Also called: Filaminopathy (type); FILAMINOPATHY, AUTOSOMAL DOMINANT. Identifiers: Orphanet 171445, MedGen C1836050, MONDO:0012289, OMIM 609524.
Cardiovascular phenotype. Identifiers: MedGen CN230736.

gnomAD v4.1: 5 of 1,614,096 alleles (0.00031%); highest among the groups gnomAD compares: Non-Finnish European, 0.00034%; no homozygotes.

Submissions (2):

Labcorp Genetics (formerly Invitae), Labcorp
Classification: Uncertain significance for Distal myopathy with posterior leg and anterior hand involvement; Myofibrillar myopathy 5; Hypertrophic cardiomyopathy 26. Last evaluated: 2026-01-04. Review status: criteria provided, single submitter. Criteria: Invitae Variant Classification Sherloc (09022015). Collection method: clinical testing. Allele origin: germline.
Comment: This sequence change replaces glutamic acid, which is acidic and polar, with glutamine, which is neutral and polar, at codon 1321 of the FLNC protein (p.Glu1321Gln). This variant is present in population databases (no rsID available, gnomAD 0.0009%). This variant has not been reported in the literature in individuals affected with FLNC-related conditions. ClinVar contains an entry for this variant (Variation ID: 3762724). Invitae Evidence Modeling of protein sequence and biophysical properties (such as structural, functional, and spatial information, amino acid conservation, physicochemical variation, residue mobility, and thermodynamic stability) has been performed for this missense variant. However, the output from this modeling did not meet the statistical confidence thresholds required to predict the impact of this variant on FLNC protein function. In summary, the available evidence is currently insufficient to determine the role of this variant in disease. Therefore, it has been classified as a Variant of Uncertain Significance.

Ambry Genetics
Classification: Uncertain significance for Cardiovascular phenotype. Last evaluated: 2025-01-16. Review status: criteria provided, single submitter. Criteria: Ambry Variant Classification Scheme 2023. Collection method: clinical testing. Allele origin: germline.
Comment: The p.E1321Q variant (also known as c.3961G>C), located in coding exon 22 of the FLNC gene, results from a G to C substitution at nucleotide position 3961. The glutamic acid at codon 1321 is replaced by glutamine, an amino acid with highly similar properties. This amino acid position is conserved. In addition, this alteration is predicted to be tolerated by in silico analysis. Based on the available evidence, the clinical significance of this variant remains unclear.

NM_001458.5(FLNC):c.3961G>C (p.Glu1321Gln)

Gene: FLNC (filamin C; plus strand). Cytogenetic location: 7q32.1.
Variant type: single nucleotide variant.
Coding change: c.3961G>C on transcript NM_001458.5 (MANE Select); coding-DNA position 3961, G replaced by C.
Protein change: p.Glu1321Gln; replaces glutamic acid 1321 with glutamine.
Molecular consequence: missense variant.
Genome position (GRCh38, 1-based): chr7:128,846,160, G>C. VCF-style: chr7-128846160-G-C. GRCh37 (hg19) VCF-style: chr7-128486214-G-C.
Other names: c.3961G>C, p.Glu1321Gln (NM_001127487.2); short protein forms E1321Q.
Identifiers: ClinVar variation 3762724 (VCV003762724.3).